The following is an entry in ClinVar:

NM_033305.3(VPS13A):c.145-2A>T

Gene: VPS13A (vacuolar protein sorting 13 homolog A; plus strand). Cytogenetic location: 9q21.2.
Variant type: single nucleotide variant.
Coding change: c.145-2A>T on transcript NM_033305.3 (MANE Select); the canonical splice acceptor site of the intron before coding-DNA position 145, A replaced by T.
Molecular consequence: splice acceptor variant.
Genome position (GRCh38, 1-based): chr9:77,201,363, A>T. VCF-style: chr9-77201363-A-T. GRCh37 (hg19) VCF-style: chr9-79816279-A-T.
Other names: c.145-2A>T (NM_001018037.2, NM_015186.4, NM_001018038.3).
Identifiers: ClinVar variation 1433804 (VCV001433804.9), dbSNP rs1447002141, ClinGen allele CA373841326.

ClinVar aggregate classification (germline): Pathogenic (1 of 4 stars; one submission).

Allele frequency attached by ClinVar (database versions not stated): gnomAD exomes below 0.00001.

Submission:

Labcorp Genetics (formerly Invitae), Labcorp
Classification: Pathogenic. Last evaluated: 2021-01-27. Review status: criteria provided, single submitter. Criteria: Invitae Variant Classification Sherloc (09022015). Collection method: clinical testing. Allele origin: germline.
Comment: For these reasons, this variant has been classified as Pathogenic. Algorithms developed to predict the effect of sequence changes on RNA splicing suggest that this variant may disrupt the consensus splice site, but this prediction has not been confirmed by published transcriptional studies. This variant has been observed in individual(s) with chorea-acanthocytosis (PMID: 22777538, 31192303). This variant is not present in population databases (ExAC no frequency). This sequence change affects an acceptor splice site in intron 2 of the VPS13A gene. It is expected to disrupt RNA splicing. Variants that disrupt the donor or acceptor splice site typically lead to a loss of protein function (PMID: 16199547), and loss-of-function variants in VPS13A are known to be pathogenic (PMID: 12404112, 21598378).

Literature cited by the submitters: PubMed 22777538; PubMed 31192303; PubMed 16199547; PubMed 12404112; PubMed 21598378.